The following is an entry in ClinVar:

NM_012309.5(SHANK2):c.1521G>A (p.Lys507=)

Gene: SHANK2 (SH3 and multiple ankyrin repeat domains 2; minus strand). Cytogenetic location: 11q13.4.
Variant type: single nucleotide variant.
Coding change: c.1521G>A on transcript NM_012309.5 (MANE Select); coding-DNA position 1521, G replaced by A.
Protein change: p.Lys507=; no amino-acid change (lysine 507 retained).
Molecular consequence: synonymous variant.
Genome position (GRCh38, 1-based): chr11:70,807,144, C>T on the plus strand (G>A on the coding strand, the complement: SHANK2 is on the minus strand). VCF-style: chr11-70807144-C-T. GRCh37 (hg19) VCF-style: chr11-70653249-C-T.
Other names: c.384G>A, p.Lys128= (NM_001379226.1, NM_001441040.1, NM_001441041.1); c.1692G>A, p.Lys564= (NM_001441024.1); c.1521G>A, p.Lys507= (NM_001441025.1, NM_001441026.1, NM_001441027.1 and 11 more transcripts); c.1449G>A, p.Lys483= (NM_001441038.1).
Identifiers: ClinVar variation 5040158 (VCV005040158.1).

ClinVar aggregate classification (germline): Likely benign (1 of 4 stars; one submission).

gnomAD v4.1: 1 of 717,810 alleles (0.00014%); highest among the groups gnomAD compares: Non-Finnish European, 0.00026%; no homozygotes.

Submission:

CeGaT Center for Human Genetics Tuebingen
Classification: Likely benign. Last evaluated: 2026-07-01. Review status: criteria provided, single submitter. Criteria: CeGaT Center For Human Genetics Tuebingen Variant Classification Criteria Version 2. Collection method: clinical testing. Allele origin: germline. Affected: yes. Observed: 1 variant allele.
Comment: SHANK2: BP4, BP7